The following is an entry in ClinVar:

NM_000059.4(BRCA2):c.4263del (p.Phe1421fs)

Gene: BRCA2 (BRCA2 DNA repair associated; plus strand). Cytogenetic location: 13q13.1.
Variant type: Deletion.
Coding change: c.4263del on transcript NM_000059.4 (MANE Select); coding-DNA position 4263, one base deleted (T; older notation c.4263delT).
Protein change: p.Phe1421fs; shifts the reading frame from phenylalanine 1421.
Molecular consequence: frameshift variant. On other transcripts: non-coding transcript variant (1), intron variant (2).
Genome position (GRCh38, 1-based): chr13:32,338,618, T deleted; the last of 4 consecutive T bases (chr13:32,338,615-32,338,618); deleting any one gives the same sequence. VCF-style (leftmost placement, unchanged base first): chr13-32338614-AT-A. GRCh37 (hg19) VCF-style: chr13-32912751-AT-A.
Other names: c.4263del, p.Phe1421fs (NM_001406719.1, NM_001406720.1, NM_001432077.1); c.1909+5231del (NM_001406721.1); c.425-5940del (NM_001406722.1); short protein forms F1421fs.
Identifiers: ClinVar variation 3764666 (VCV003764666.5).

ClinVar aggregate classification (germline): Pathogenic. Review status: criteria provided, multiple submitters, no conflicts (2 of 4 stars). 2 submissions from 2 submitters: Pathogenic (2). Last evaluated 2026-08-18.

Conditions:
Hereditary cancer-predisposing syndrome. Also called: Neoplastic Syndromes, Hereditary; Tumor predisposition; Hereditary neoplastic syndrome; Hereditary Cancer Syndrome. Identifiers: Orphanet 140162, MedGen C0027672, MeSH D009386, MONDO:0015356.
Wilms tumor 1 (WT1). Also called: Wilms tumor, somatic. Identifiers: Orphanet 654, MedGen CN033288, MONDO:0008679, OMIM 194070.
Glioma susceptibility 3 (GLM3). Also called: Glioblastoma 3. Identifiers: Orphanet 182067, Orphanet 360, MedGen C2751641, MONDO:0013093, OMIM 613029.
Medulloblastoma (MDB). Also called: Medulloblastoma, somatic; MEDULLOBLASTOMA PREDISPOSITION SYNDROME. Identifiers: Orphanet 616, MedGen C0025149, MeSH D008527, MONDO:0007959, OMIM 155255, HP:0002885.
Breast-ovarian cancer, familial, susceptibility to, 2 (BROVCA2). Also called: BRCA2 Hereditary Breast and Ovarian Cancer. Identifiers: Orphanet 145, MedGen C2675520, MONDO:0012933, OMIM 612555. Disease mechanism: loss of function.
Pancreatic cancer, susceptibility to, 2. Identifiers: Orphanet 1333, MedGen C3150546, MONDO:0013235, OMIM 613347.
Fanconi anemia complementation group D1. Also called: BRCA2-Related Fanconi Anemia. Identifiers: Orphanet 319462, MedGen C1838457, MONDO:0011584, OMIM 605724.
Familial prostate cancer. Also called: Hereditary Prostate Cancer. Identifiers: MedGen C2931456, MONDO:0700275, OMIM 176807.
Familial cancer of breast. Also called: BREAST CANCER, FAMILIAL; Hereditary breast cancer; hereditary breast carcinoma. Identifiers: Orphanet 227535, MedGen C0346153, MONDO:0016419, OMIM 114480. Disease mechanism: loss of function.

Submissions (2):

Ambry Genetics
Classification: Pathogenic for Hereditary cancer-predisposing syndrome. Last evaluated: 2026-08-18. Review status: criteria provided, single submitter. Criteria: Ambry Variant Classification Scheme 2023. Collection method: clinical testing. Allele origin: germline.
Comment: The c.4263delT pathogenic mutation, located in coding exon 10 of the BRCA2 gene, results from a deletion of one nucleotide at nucleotide position 4263, causing a translational frameshift with a predicted alternate stop codon (p.F1421Lfs*27). This variant is considered to be rare based on population cohorts in the Genome Aggregation Database (gnomAD). This alteration is expected to result in loss of function by premature protein truncation or nonsense-mediated mRNA decay. As such, this alteration is interpreted as a disease-causing mutation.

Juno Genomics, Hangzhou Juno Genomics, Inc
Classification: Pathogenic for Familial cancer of breast; Breast-ovarian cancer, familial, susceptibility to, 2; Glioma susceptibility 3; Medulloblastoma; Pancreatic cancer, susceptibility to, 2; Familial prostate cancer; Fanconi anemia complementation group D1; Wilms tumor 1. Review status: criteria provided, single submitter. Criteria: ACMG Guidelines, 2015. Collection method: clinical testing. Allele origin: germline.
Comment: Absent from controls (or at extremely low frequency if recessive) in Genome Aggregation Database.;Null variant in a gene where loss of function (LOF) is a known mechanism of disease.;Novel missense change at an amino acid residue where a different missense change determined to be pathogenic has been seen before.